The following is an entry in ClinVar:

NM_018026.4(PACS1):c.1993+8C>T

Gene: PACS1 (phosphofurin acidic cluster sorting protein 1; plus strand). Cytogenetic location: 11q13.2.
Variant type: single nucleotide variant.
Coding change: c.1993+8C>T on transcript NM_018026.4 (MANE Select); 8 bases into the intron after coding-DNA position 1993, C replaced by T.
Molecular consequence: intron variant.
Genome position (GRCh38, 1-based): chr11:66,233,947, C>T. VCF-style: chr11-66233947-C-T. GRCh37 (hg19) VCF-style: chr11-66001418-C-T.
Other names: p.?.
Identifiers: ClinVar variation 129869 (VCV000129869.19), dbSNP rs2236651, ClinGen allele CA154212.

ClinVar aggregate classification (germline): Benign. Review status: criteria provided, multiple submitters, no conflicts (2 of 4 stars). 5 submissions from 5 submitters: Benign (4). 1 of the submissions does not count toward it. Last evaluated 2026-02-03.

Conditions:
Schuurs-Hoeijmakers syndrome. Also called: PACS1-Related Neurodevelopmental Disorder. Identifiers: Orphanet 329224, MedGen C3554343, MONDO:0014006, OMIM 615009.

Allele frequency attached by ClinVar (database versions not stated): ESP Exome Variant Server 0.18784; TOPMed 0.19142; gnomAD 0.18982 and 0.18987; 1000 Genomes Project 0.21106; gnomAD exomes 0.17754; ExAC 0.17919; 1000 Genomes Project 30x 0.20737.
gnomAD v4.1: 268,900 of 1,567,876 alleles (17%); highest among the groups gnomAD compares: East Asian, 25%; 23,758 homozygotes.

Submissions (5):

Labcorp Genetics (formerly Invitae), Labcorp
Classification: Benign for Schuurs-Hoeijmakers syndrome. Last evaluated: 2026-02-03. Review status: criteria provided, single submitter. Criteria: Invitae Variant Classification Sherloc (09022015). Collection method: clinical testing. Allele origin: germline.

Mayo Clinic Laboratories, Mayo Clinic
Classification: Benign. Last evaluated: 2021-11-29. Review status: criteria provided, single submitter. Criteria: ACMG Guidelines, 2015. Collection method: clinical testing. Allele origin: germline. Observed: 78 variant alleles.

GeneDx
Classification: Benign. Last evaluated: 2018-07-03. Review status: criteria provided, single submitter. Criteria: GeneDx Variant Classification Process June 2021. Collection method: clinical testing. Allele origin: germline. Affected: yes.

Breakthrough Genomics
Classification: Benign. Review status: criteria provided, single submitter. Criteria: ACMG Guidelines, 2015. Collection method: not provided. Allele origin: germline. Inheritance: Autosomal dominant inheritance. Affected: yes.

Genetic Services Laboratory, University of Chicago
Classification: Likely benign for AllHighlyPenetrant. Review status: no assertion criteria provided. Collection method: clinical testing. Allele origin: germline. Inheritance: Autosomal dominant inheritance. Not counted in ClinVar's aggregate classification.
Comment: Likely benign based on allele frequency in 1000 Genomes Project or ESP global frequency and its presence in a patient with a rare or unrelated disease phenotype. NOT Sanger confirmed.